The following is an entry in ClinVar:

ClinVar aggregate classification (germline): Uncertain significance (1 of 4 stars; one submission).

Submission:

Labcorp Genetics (formerly Invitae), Labcorp
Classification: Uncertain significance. Last evaluated: 2024-02-24. Review status: criteria provided, single submitter. Criteria: Invitae Variant Classification Sherloc (09022015). Collection method: clinical testing. Allele origin: germline.
Comment: This sequence change replaces valine, which is neutral and non-polar, with glutamic acid, which is acidic and polar, at codon 1621 of the EYS protein (p.Val1621Glu). This variant is not present in population databases (gnomAD no frequency). This variant has not been reported in the literature in individuals affected with EYS-related conditions. ClinVar contains an entry for this variant (Variation ID: 1487892). Advanced modeling of protein sequence and biophysical properties (such as structural, functional, and spatial information, amino acid conservation, physicochemical variation, residue mobility, and thermodynamic stability) has been performed at Invitae for this missense variant, however the output from this modeling did not meet the statistical confidence thresholds required to predict the impact of this variant on EYS protein function. In summary, the available evidence is currently insufficient to determine the role of this variant in disease. Therefore, it has been classified as a Variant of Uncertain Significance.

NM_001142800.2(EYS):c.4862T>A (p.Val1621Glu)

Gene: EYS (EGF-like photoreceptor maintenance factor; minus strand). Cytogenetic location: 6q12.
Variant type: single nucleotide variant.
Coding change: c.4862T>A on transcript NM_001142800.2 (MANE Select); coding-DNA position 4862, T replaced by A.
Protein change: p.Val1621Glu; replaces valine 1621 with glutamic acid.
Molecular consequence: missense variant.
Genome position (GRCh38, 1-based): chr6:64,591,005, A>T on the plus strand (T>A on the coding strand, the complement: EYS is on the minus strand). VCF-style: chr6-64591005-A-T. GRCh37 (hg19) VCF-style: chr6-65300898-A-T.
Other names: c.4862T>A, p.Val1621Glu (NM_001292009.2); short protein forms V1621E.
Identifiers: ClinVar variation 1487892 (VCV001487892.6), dbSNP rs2149831762, ClinGen allele CA364782374.